The following is an entry in ClinVar:

NM_017999.5(RNF31):c.1435C>G (p.Gln479Glu)

Gene: RNF31 (ring finger protein 31; plus strand). Cytogenetic location: 14q12.
Variant type: single nucleotide variant.
Coding change: c.1435C>G on transcript NM_017999.5 (MANE Select); coding-DNA position 1435, C replaced by G.
Protein change: p.Gln479Glu; replaces glutamine 479 with glutamic acid.
Molecular consequence: missense variant.
Genome position (GRCh38, 1-based): chr14:24,150,835, C>G. VCF-style: chr14-24150835-C-G. GRCh37 (hg19) VCF-style: chr14-24620044-C-G.
Other names: c.982C>G, p.Gln328Glu (NM_001310332.2); short protein forms Q328E, Q479E.
Identifiers: ClinVar variation 3610468 (VCV003610468.2).
Genomic context (GRCh38, chr14:24,150,835, plus strand): 5'-CCTGGGCCCCCACGACGCCTTAGTGCCCCCCTGCCCAGTTCCTGTGGAGATCCTGAGAAG[C>G]AGCGCCAAGACAAGATGCGGGAAGAAGGCCTCCAGCTAGTGAGCATGATCCGGGTAAGGA-3'
Protein context (NP_060469.4, residues 469-489): LPSSCGDPEK[Gln479Glu]RQDKMREEGL

ClinVar aggregate classification (germline): Uncertain significance (1 of 4 stars; one submission).

Submission:

Labcorp Genetics (formerly Invitae), Labcorp
Classification: Uncertain significance. Last evaluated: 2024-04-29. Review status: criteria provided, single submitter. Criteria: Invitae Variant Classification Sherloc (09022015). Collection method: clinical testing. Allele origin: germline.
Comment: This sequence change replaces glutamine, which is neutral and polar, with glutamic acid, which is acidic and polar, at codon 479 of the RNF31 protein (p.Gln479Glu). This variant is not present in population databases (gnomAD no frequency). This variant has not been reported in the literature in individuals affected with RNF31-related conditions. An algorithm developed to predict the effect of missense changes on protein structure and function (PolyPhen-2) suggests that this variant is likely to be tolerated. In summary, the available evidence is currently insufficient to determine the role of this variant in disease. Therefore, it has been classified as a Variant of Uncertain Significance.